The following is an entry in ClinVar:

NM_000059.4(BRCA2):c.16A>C (p.Lys6Gln)

Gene: BRCA2 (BRCA2 DNA repair associated; plus strand). Cytogenetic location: 13q13.1.
Variant type: single nucleotide variant.
Coding change: c.16A>C on transcript NM_000059.4 (MANE Select); coding-DNA position 16, A replaced by C.
Protein change: p.Lys6Gln; replaces lysine 6 with glutamine.
Molecular consequence: missense variant.
Genome position (GRCh38, 1-based): chr13:32,316,476, A>C. VCF-style: chr13-32316476-A-C. GRCh37 (hg19) VCF-style: chr13-32890613-A-C.
Other names: short protein forms K6Q.
Identifiers: ClinVar variation 195009 (VCV000195009.8), dbSNP rs794727232, ClinGen allele CA012924.

ClinVar aggregate classification (germline): Uncertain significance. Review status: criteria provided, multiple submitters, no conflicts (2 of 4 stars). 2 submissions from 2 submitters: Uncertain significance (2). Last evaluated 2023-02-10.

Conditions:
Hereditary breast ovarian cancer syndrome. Also called: Hereditary breast and ovarian cancer; Hereditary breast and ovarian cancer syndrome; Hereditary breast and ovarian cancer syndrome (HBOC); Breast and ovarian cancer; Hereditary breast and/or ovarian cancer syndrome; BRCA1- and BRCA2-Associated Hereditary Breast and Ovarian Cancer. Identifiers: Orphanet 145, MedGen C0677776, MeSH D061325, MONDO:0003582. Disease mechanism: loss of function.

Submissions (2):

Labcorp Genetics (formerly Invitae), Labcorp
Classification: Uncertain significance for Hereditary breast ovarian cancer syndrome. Last evaluated: 2023-02-10. Review status: criteria provided, single submitter. Criteria: Invitae Variant Classification Sherloc (09022015). Collection method: clinical testing. Allele origin: germline.
Comment: This variant is not present in population databases (gnomAD no frequency). This sequence change replaces lysine, which is basic and polar, with glutamine, which is neutral and polar, at codon 6 of the BRCA2 protein (p.Lys6Gln). This variant has not been reported in the literature in individuals affected with BRCA2-related conditions. In summary, the available evidence is currently insufficient to determine the role of this variant in disease. Therefore, it has been classified as a Variant of Uncertain Significance. Advanced modeling of protein sequence and biophysical properties (such as structural, functional, and spatial information, amino acid conservation, physicochemical variation, residue mobility, and thermodynamic stability) performed at Invitae indicates that this missense variant is not expected to disrupt BRCA2 protein function. ClinVar contains an entry for this variant (Variation ID: 195009).

Eurofins Ntd Llc (ga)
Classification: Uncertain significance. Last evaluated: 2015-05-22. Review status: criteria provided, single submitter. Criteria: EGL Classification Definitions 2015. Collection method: clinical testing. Allele origin: germline. Observed: 1 variant allele, 1 heterozygote.